The following is an entry in ClinVar:

ClinVar aggregate classification (germline): Uncertain significance. Review status: criteria provided, multiple submitters, no conflicts (2 of 4 stars). 5 submissions from 5 submitters: Uncertain significance (5). Last evaluated 2026-05-28.

Conditions:
NOD2-related disorder. Also called: NOD2-related condition.
Blau syndrome (BLAUS). Also called: ARTHROCUTANEOUVEAL GRANULOMATOSIS; GRANULOMATOSIS, FAMILIAL JUVENILE SYSTEMIC; GRANULOMATOSIS, FAMILIAL, BLAU TYPE; GRANULOMATOUS INFLAMMATORY ARTHRITIS, DERMATITIS, AND UVEITIS, FAMILIAL; JABS SYNDROME. Identifiers: Orphanet 90340, MedGen C5201146, MONDO:0008523, OMIM 186580.
Regional enteritis. Also called: Enteritis, Granulomatous. Identifiers: MedGen C0678202, MeSH D003424.

Allele frequency attached by ClinVar (database versions not stated): gnomAD exomes 0.00009; 1000 Genomes Project 0.00020; gnomAD 0.00004; TOPMed 0.00004; ExAC 0.00006; 1000 Genomes Project 30x 0.00031.
gnomAD v4.1: 91 of 1,614,058 alleles (0.0056%); highest among the groups gnomAD compares: Admixed American, 0.0083%; 1 homozygote.

Submissions (5):

Women's Health and Genetics/Laboratory Corporation of America, LabCorp
Classification: Uncertain significance. Last evaluated: 2026-05-28. Review status: criteria provided, single submitter. Criteria: LabCorp Variant Classification Summary - May 2015. Collection method: clinical testing. Allele origin: germline.
Comment: Variant summary: NOD2 c.1277G>A (p.Arg426His) results in a non-conservative amino acid change in the encoded protein sequence. Algorithms developed to predict the effect of missense changes on protein structure and function all suggest that this variant is likely to be disruptive. The variant allele was found at a frequency of 8.8e-05 in 250964 control chromosomes (gnomAD). This frequency is not significantly higher than estimated for disease-causing variants in NOD2, allowing no conclusion about variant significance. c.1277G>A has been observed in a homozygous individual affected with early onset inflammatory bowel disease (Girardelli_2018). This report does not provide unequivocal conclusions about association of the variant with disease. At least one publication reports experimental evidence evaluating an impact on protein function, suggesting the variant affects NOD2 function. The following publication has been ascertained in the context of this evaluation (PMID: 29697845). ClinVar contains an entry for this variant (Variation ID: 531600). Based on the evidence outlined above, the variant was classified as uncertain significance.

PreventionGenetics, part of Exact Sciences
Classification: Uncertain significance for NOD2-related condition. Last evaluated: 2025-08-25. Review status: criteria provided, single submitter. Criteria: ACMG Guidelines, 2015. Collection method: clinical testing. Allele origin: germline.
Comment: The NOD2 c.1277G>A variant is predicted to result in the amino acid substitution p.Arg426His. This variant has been reported in the homozygous state in one patient with early onset inflammatory bowel disease (Girardelli et al. 2018. PubMed ID: 29697845). Functional studies in HEK293 cell lines indicate the c.1277G>A increases NF-kB activation. This variant is reported in 0.015% of alleles in individuals of European (Non-Finnish) descent in gnomAD. At this time, the clinical significance of this variant is uncertain due to the absence of conclusive functional and genetic evidence.

Labcorp Genetics (formerly Invitae), Labcorp
Classification: Uncertain significance for Regional enteritis; Blau syndrome. Last evaluated: 2025-02-10. Review status: criteria provided, single submitter. Criteria: Invitae Variant Classification Sherloc (09022015). Collection method: clinical testing. Allele origin: germline.
Comment: This sequence change replaces arginine, which is basic and polar, with histidine, which is basic and polar, at codon 426 of the NOD2 protein (p.Arg426His). This variant is present in population databases (rs562225614, gnomAD 0.02%). This missense change has been observed in individual(s) with early-onset inflammatory bowel disease (PMID: 29697845). ClinVar contains an entry for this variant (Variation ID: 531600). Invitae Evidence Modeling of protein sequence and biophysical properties (such as structural, functional, and spatial information, amino acid conservation, physicochemical variation, residue mobility, and thermodynamic stability) has been performed for this missense variant. However, the output from this modeling did not meet the statistical confidence thresholds required to predict the impact of this variant on NOD2 protein function. Experimental studies have shown that this missense change affects NOD2 function (PMID: 29697845). In summary, the available evidence is currently insufficient to determine the role of this variant in disease. Therefore, it has been classified as a Variant of Uncertain Significance.

Blueprint Genetics
Classification: Uncertain significance. Last evaluated: 2024-09-20. Review status: criteria provided, single submitter. Criteria: ACMG Guidelines, 2015. Collection method: clinical testing. Allele origin: germline.

GeneDx
Classification: Uncertain significance. Last evaluated: 2024-03-06. Review status: criteria provided, single submitter. Criteria: GeneDx Variant Classification Process June 2021. Collection method: clinical testing. Allele origin: germline. Affected: yes.
Comment: In silico analysis supports that this missense variant has a deleterious effect on protein structure/function; This variant is associated with the following publications: (PMID: 29697845, 32085886, 34440800, 32677123)

Literature cited by the submitters: PubMed 29697845 (cited by Women's Health and Genetics/Laboratory Corporation of America, LabCorp and Labcorp Genetics (formerly Invitae), Labcorp).

NM_001370466.1(NOD2):c.1196G>A (p.Arg399His)

Gene: NOD2 (nucleotide binding oligomerization domain containing 2; plus strand). Cytogenetic location: 16q12.1.
Variant type: single nucleotide variant.
Coding change: c.1196G>A on transcript NM_001370466.1 (MANE Select); coding-DNA position 1196, G replaced by A.
Protein change: p.Arg399His; replaces arginine 399 with histidine.
Molecular consequence: missense variant. On other transcripts: non-coding transcript variant (1).
Genome position (GRCh38, 1-based): chr16:50,711,188, G>A. VCF-style: chr16-50711188-G-A. GRCh37 (hg19) VCF-style: chr16-50745099-G-A.
Other names: c.1277G>A (NM_022162.1); c.1196G>A, p.Arg399His (NM_001293557.2); c.1277G>A, p.Arg426His (NM_022162.3); short protein forms R426H, R399H.
Identifiers: ClinVar variation 531600 (VCV000531600.14), dbSNP rs562225614, ClinGen allele CA8051502.